The following is an entry in ClinVar:

ClinVar aggregate classification (germline): Uncertain significance (1 of 4 stars; one submission).

Conditions:
Brachyolmia-amelogenesis imperfecta syndrome. Also called: PLATYSPONDYLY WITH AMELOGENESIS IMPERFECTA; Tooth agenesis, selective, 6; Dental anomalies and short stature. Identifiers: Orphanet 2899, MedGen C1832594, MONDO:0011018, OMIM 601216. Disease mechanism: loss of function.

gnomAD v4.1: 7 of 1,611,280 alleles (0.00043%); highest among the groups gnomAD compares: South Asian, 0.0044%; 1 homozygote.

Submission:

Labcorp Genetics (formerly Invitae), Labcorp
Classification: Uncertain significance for Brachyolmia-amelogenesis imperfecta syndrome. Last evaluated: 2024-03-17. Review status: criteria provided, single submitter. Criteria: Invitae Variant Classification Sherloc (09022015). Collection method: clinical testing. Allele origin: germline.
Comment: This sequence change replaces glycine, which is neutral and non-polar, with serine, which is neutral and polar, at codon 636 of the LTBP3 protein (p.Gly636Ser). The frequency data for this variant in the population databases is considered unreliable, as metrics indicate poor data quality at this position in the gnomAD database. This variant has not been reported in the literature in individuals affected with LTBP3-related conditions. An algorithm developed to predict the effect of missense changes on protein structure and function (PolyPhen-2) suggests that this variant is likely to be disruptive. In summary, the available evidence is currently insufficient to determine the role of this variant in disease. Therefore, it has been classified as a Variant of Uncertain Significance.

NM_001130144.3(LTBP3):c.1906G>A (p.Gly636Ser)

Genes: LTBP3 (latent transforming growth factor beta binding protein 3; minus strand), LOC130006032 (ATAC-STARR-seq lymphoblastoid silent region 3535; plus strand). Cytogenetic location: 11q13.1.
Variant type: single nucleotide variant.
Coding change: c.1906G>A on transcript NM_001130144.3 (MANE Select); coding-DNA position 1906, G replaced by A.
Protein change: p.Gly636Ser; replaces glycine 636 with serine.
Molecular consequence: missense variant.
Genome position (GRCh38, 1-based): chr11:65,547,762, C>T on the plus strand (G>A on the coding strand, the complement: LTBP3 is on the minus strand). VCF-style: chr11-65547762-C-T. GRCh37 (hg19) VCF-style: chr11-65315233-C-T.
Other names: c.1555G>A, p.Gly519Ser (NM_001164266.1); c.1906G>A, p.Gly636Ser (NM_021070.4); short protein forms G636S, G519S.
Identifiers: ClinVar variation 3715351 (VCV003715351.2).